The following is an entry in ClinVar:

ClinVar aggregate classification (germline): Benign/Likely benign. Review status: criteria provided, multiple submitters, no conflicts (2 of 4 stars). 3 submissions from 3 submitters: Benign (1); Likely benign (2). Last evaluated 2025-09-01.

Allele frequency attached by ClinVar (database versions not stated): gnomAD 0.00026 and 0.00002; gnomAD exomes 0.00078; ExAC 0.00101; 1000 Genomes Project 0.00160; 1000 Genomes Project 30x 0.00172; TOPMed 0.00005.
gnomAD v4.1: 574 of 1,613,792 alleles (0.036%); highest among the groups gnomAD compares: South Asian, 0.57%; 11 homozygotes.

Submissions (3):

CeGaT Center for Human Genetics Tuebingen
Classification: Likely benign. Last evaluated: 2025-09-01. Review status: criteria provided, single submitter. Criteria: CeGaT Center For Human Genetics Tuebingen Variant Classification Criteria Version 2. Collection method: clinical testing. Allele origin: germline. Affected: yes. Observed: 1 variant allele.
Comment: ARHGEF10: BS1

Labcorp Genetics (formerly Invitae), Labcorp
Classification: Benign. Last evaluated: 2025-07-22. Review status: criteria provided, single submitter. Criteria: Invitae Variant Classification Sherloc (09022015). Collection method: clinical testing. Allele origin: germline.

Blueprint Genetics
Classification: Likely benign. Last evaluated: 2024-10-09. Review status: criteria provided, single submitter. Criteria: ACMG Guidelines, 2015. Collection method: clinical testing. Allele origin: germline.

NM_014629.4(ARHGEF10):c.433G>A (p.Ala145Thr)

Gene: ARHGEF10 (Rho guanine nucleotide exchange factor 10; plus strand). Cytogenetic location: 8p23.3.
Variant type: single nucleotide variant.
Coding change: c.433G>A on transcript NM_014629.4 (MANE Select); coding-DNA position 433, G replaced by A.
Protein change: p.Ala145Thr; replaces alanine 145 with threonine.
Molecular consequence: missense variant.
Genome position (GRCh38, 1-based): chr8:1,860,136, G>A. VCF-style: chr8-1860136-G-A. GRCh37 (hg19) VCF-style: chr8-1808302-G-A.
Other names: c.433G>A, p.Ala145Thr (NM_001308152.2, NM_001308153.3); short protein forms A145T, A169T.
Identifiers: ClinVar variation 1577715 (VCV001577715.16), dbSNP rs533580747, ClinGen allele CA4599753.